The following is an entry in ClinVar:

NM_000548.5(TSC2):c.623G>A (p.Arg208Gln)

Gene: TSC2 (TSC complex subunit 2; plus strand). Cytogenetic location: 16p13.3.
Variant type: single nucleotide variant.
Coding change: c.623G>A on transcript NM_000548.5 (MANE Select); coding-DNA position 623, G replaced by A.
Protein change: p.Arg208Gln; replaces arginine 208 with glutamine.
Molecular consequence: missense variant.
Genome position (GRCh38, 1-based): chr16:2,056,219, G>A. VCF-style: chr16-2056219-G-A. GRCh37 (hg19) VCF-style: chr16-2106220-G-A.
Other names: c.623G>A, p.Arg208Gln (NM_001077183.3, NM_001114382.3, NM_001363528.2 and 3 more transcripts); c.512G>A, p.Arg171Gln (NM_001318827.2); c.476G>A, p.Arg159Gln (NM_001318829.2); c.23G>A, p.Arg8Gln (NM_001318831.2); c.656G>A, p.Arg219Gln (NM_001318832.2); short protein forms R171Q, R219Q, R159Q, R208Q, R8Q.
Identifiers: ClinVar variation 826262 (VCV000826262.19), dbSNP rs368386966, ClinGen allele CA055816.

ClinVar aggregate classification (germline): Benign/Likely benign. Review status: criteria provided, multiple submitters, no conflicts (2 of 4 stars). 7 submissions from 7 submitters: Benign (2); Likely benign (5). Last evaluated 2025-11-13.

Conditions:
Hereditary cancer-predisposing syndrome. Also called: Neoplastic Syndromes, Hereditary; Tumor predisposition; Hereditary Cancer Syndrome; Hereditary neoplastic syndrome. Identifiers: Orphanet 140162, MedGen C0027672, MeSH D009386, MONDO:0015356.
Tuberous sclerosis syndrome (TSC). Also called: Tuberous sclerosis; Tuberous Sclerosis Complex. Identifiers: Orphanet 805, MedGen C0041341, MONDO:0001734.
Tuberous sclerosis 2 (TSC2). Identifiers: Orphanet 805, MedGen C1860707, MONDO:0013199, OMIM 613254.

Allele frequency attached by ClinVar (database versions not stated): gnomAD exomes 0.00001 and 0.00002; TOPMed 0.00001; ExAC 0.00002; gnomAD 0.00002; ESP Exome Variant Server 0.00008.
gnomAD v4.1: 12 of 1,613,886 alleles (0.00074%); highest among the groups gnomAD compares: South Asian, 0.0033%; 1 homozygote.

Submissions (7):

Labcorp Genetics (formerly Invitae), Labcorp
Classification: Benign for Tuberous sclerosis 2. Last evaluated: 2025-11-13. Review status: criteria provided, single submitter. Criteria: Invitae Variant Classification Sherloc (09022015). Collection method: clinical testing. Allele origin: germline.

Myriad Genetics, Inc.
Classification: Likely benign for Tuberous sclerosis 2. Last evaluated: 2024-08-27. Review status: criteria provided, single submitter. Criteria: Myriad Autosomal Dominant, Autosomal Recessive and X-Linked Classification Criteria (2023). Collection method: clinical testing. Allele origin: unknown.
Comment: This variant is considered likely benign. This variant has been observed at a population frequency that is significantly greater than expected given the associated disease prevalence and penetrance.

Blueprint Genetics
Classification: Likely benign. Last evaluated: 2024-02-28. Review status: criteria provided, single submitter. Criteria: ACMG Guidelines, 2015. Collection method: clinical testing. Allele origin: germline.

All of Us Research Program, National Institutes of Health
Classification: Likely benign for Tuberous sclerosis syndrome. Last evaluated: 2024-02-05. Review status: criteria provided, single submitter. Criteria: ACMG Guidelines, 2015. Collection method: clinical testing. Allele origin: germline. Inheritance: Autosomal dominant inheritance. Observed: 2 variant alleles, 2 heterozygotes.
Comment: This study involves interpretation of variants in research participants for the purpose of population health screening. Participant phenotype was not available at the time of variant classification. Additional details can be found in publication PMID: 35346344, PMCID: PMC8962531

Color Diagnostics, LLC DBA Color Health
Classification: Likely benign for Tuberous sclerosis syndrome. Last evaluated: 2022-09-13. Review status: criteria provided, single submitter. Criteria: ACMG Guidelines, 2015. Collection method: clinical testing. Allele origin: germline.

Genome-Nilou Lab
Classification: Benign for Tuberous sclerosis 2. Last evaluated: 2021-11-07. Review status: criteria provided, single submitter. Criteria: ACMG Guidelines, 2015. Collection method: clinical testing. Allele origin: germline. Affected: no.

Ambry Genetics
Classification: Likely benign for Hereditary cancer-predisposing syndrome. Last evaluated: 2019-04-15. Review status: criteria provided, single submitter. Criteria: Ambry Variant Classification Scheme 2023. Collection method: clinical testing. Allele origin: germline.